The following is an entry in ClinVar:

NM_000286.3(PEX12):c.429_431inv (p.Tyr143_Ser144delinsTer)

Gene: PEX12 (peroxisomal biogenesis factor 12; minus strand). Cytogenetic location: 17q12.
Variant type: Inversion.
Coding change: c.429_431inv on transcript NM_000286.3 (MANE Select).
Protein change: p.Tyr143_Ser144delinsTer.
Molecular consequence: nonsense.
Genome position: GRCh38 VCF-style: chr17-35577287-GAA-TTC. GRCh37 (hg19) VCF-style: chr17-33904306-GAA-TTC.
Other names: c.429_431delinsGAA (NM_000286.3).
Identifiers: ClinVar variation 552799 (VCV000552799.4), ClinGen allele CA658824205.

ClinVar aggregate classification (germline): Likely pathogenic. Review status: criteria provided, single submitter (1 of 4 stars). 2 submissions from 2 submitters: Likely pathogenic (1). 1 of the submissions does not count toward it.

Conditions:
Peroxisome biogenesis disorder 3A (Zellweger). Also called: PEROXISOMAL BIOGENESIS DISORDER 3A (ZELLWEGER); Peroxisome biogenesis disorder 3A. Identifiers: Orphanet 912, MedGen C3553929, MONDO:0013927, OMIM 614859.
Peroxisome biogenesis disorder type 3B. Identifiers: Orphanet 44, Orphanet 772, MedGen C3550693, MONDO:0009959, OMIM 266510.

Submissions (2):

Juno Genomics, Hangzhou Juno Genomics, Inc
Classification: Likely pathogenic for Peroxisome biogenesis disorder 3A (Zellweger); Peroxisome biogenesis disorder type 3B. Review status: criteria provided, single submitter. Criteria: ACMG Guidelines, 2015. Collection method: clinical testing. Allele origin: germline.
Comment: Null variant in a gene where loss of function (LOF) is a known mechanism of disease.;Absent from controls (or at extremely low frequency if recessive) in Genome Aggregation Database.

Counsyl
Classification: Likely pathogenic for Peroxisome biogenesis disorder type 3B; Peroxisome biogenesis disorder 3A (Zellweger). Last evaluated: 2017-07-07. Review status: no assertion criteria provided. Collection method: clinical testing. Allele origin: unknown. Not counted in ClinVar's aggregate classification.